The following is an entry in ClinVar:

NM_015139.3(SLC35D1):c.776T>A (p.Phe259Tyr)

Gene: SLC35D1 (solute carrier family 35 member D1; minus strand). Cytogenetic location: 1p31.3.
Variant type: single nucleotide variant.
Coding change: c.776T>A on transcript NM_015139.3 (MANE Select); coding-DNA position 776, T replaced by A.
Protein change: p.Phe259Tyr; replaces phenylalanine 259 with tyrosine.
Molecular consequence: missense variant.
Genome position (GRCh38, 1-based): chr1:67,021,556, A>T on the plus strand (T>A on the coding strand, the complement: SLC35D1 is on the minus strand). VCF-style: chr1-67021556-A-T. GRCh37 (hg19) VCF-style: chr1-67487239-A-T.
Other names: short protein forms F259Y.
Identifiers: ClinVar variation 1392953 (VCV001392953.5), dbSNP rs553561259, ClinGen allele CA898891.
Genomic context (GRCh38, chr1:67,021,556, plus strand): 5'-TTAGGAAAACTATCTGCTAACAAGGTAACAAAGGCTTACCCCATCACACAGGAGAGGGTG[A>T]ACTGCAGAAGAAAGAGGGTGTCAGCCCAGCCTTCAAACTCCACAGCCTGCAACACACAAG-3'
Protein context (NP_055954.1, residues 249-269): GWADTLFLLQ[Phe259Tyr]TLSCVMGFIL

ClinVar aggregate classification (germline): Uncertain significance (1 of 4 stars; one submission).

Conditions:
Schneckenbecken dysplasia. Identifiers: Orphanet 3144, MedGen C0432194, MONDO:0010013, OMIM 269250.

Allele frequency attached by ClinVar (database versions not stated): 1000 Genomes Project 30x 0.00016; 1000 Genomes Project 0.00020; ExAC 0.00001; gnomAD 0.00001; gnomAD exomes 0.00001.
gnomAD v4.1: 15 of 1,614,090 alleles (0.00093%); highest among the groups gnomAD compares: Non-Finnish European, 0.0012%; no homozygotes.

Submission:

Labcorp Genetics (formerly Invitae), Labcorp
Classification: Uncertain significance for Schneckenbecken dysplasia. Last evaluated: 2021-09-24. Review status: criteria provided, single submitter. Criteria: Invitae Variant Classification Sherloc (09022015). Collection method: clinical testing. Allele origin: germline.
Comment: This sequence change replaces phenylalanine with tyrosine at codon 259 of the SLC35D1 protein (p.Phe259Tyr). The phenylalanine residue is highly conserved and there is a small physicochemical difference between phenylalanine and tyrosine. This variant is present in population databases (rs553561259, ExAC 0.001%). This variant has not been reported in the literature in individuals with SLC35D1-related conditions. Algorithms developed to predict the effect of missense changes on protein structure and function are either unavailable or do not agree on the potential impact of this missense change (SIFT: "Tolerated"; PolyPhen-2: "Probably Damaging"; Align-GVGD: "Class C0"). In summary, the available evidence is currently insufficient to determine the role of this variant in disease. Therefore, it has been classified as a Variant of Uncertain Significance.